The following is an entry in ClinVar:

NM_001370466.1(NOD2):c.113_127dup (p.Glu42_Asp43insValLeuSerTrpGlu)

Gene: NOD2 (nucleotide binding oligomerization domain containing 2; plus strand). Cytogenetic location: 16q12.1.
Variant type: Duplication.
Coding change: c.113_127dup on transcript NM_001370466.1 (MANE Select); coding-DNA positions 113 to 127, 15 bases duplicated (TCCTCTCCTGGGAGG).
Protein change: p.Glu42_Asp43insValLeuSerTrpGlu.
Molecular consequence: inframe insertion. On other transcripts: non-coding transcript variant (1).
Genome position (GRCh38, 1-based): chr16:50,699,608-50,699,622, TCCTCTCCTGGGAGG duplicated; duplicating any 15 consecutive bases within chr16:50,699,598-50,699,622 gives the same sequence; the c. name uses the placement nearest the transcript's 3' end. VCF-style (leftmost placement, unchanged base first): chr16-50699597-G-GTCCTGGGAGGTCCTC. GRCh37 (hg19) VCF-style: chr16-50733508-G-GTCCTGGGAGGTCCTC.
Other names: c.113_127dup, p.Glu42_Asp43insValLeuSerTrpGlu (NM_001293557.2); c.194_208dup, p.Glu69_Asp70insValLeuSerTrpGlu (NM_022162.3).
Identifiers: ClinVar variation 1950971 (VCV001950971.5), dbSNP rs1963830700, ClinGen allele CA2221834327.

ClinVar aggregate classification (germline): Uncertain significance (1 of 4 stars; one submission).

Conditions:
Blau syndrome (BLAUS). Also called: ARTHROCUTANEOUVEAL GRANULOMATOSIS; GRANULOMATOSIS, FAMILIAL JUVENILE SYSTEMIC; GRANULOMATOSIS, FAMILIAL, BLAU TYPE; GRANULOMATOUS INFLAMMATORY ARTHRITIS, DERMATITIS, AND UVEITIS, FAMILIAL; JABS SYNDROME. Identifiers: Orphanet 90340, MedGen C5201146, MONDO:0008523, OMIM 186580.
Regional enteritis. Also called: Enteritis, Granulomatous. Identifiers: MedGen C0678202, MeSH D003424.

Submission:

Labcorp Genetics (formerly Invitae), Labcorp
Classification: Uncertain significance for Regional enteritis; Blau syndrome. Last evaluated: 2022-09-26. Review status: criteria provided, single submitter. Criteria: Invitae Variant Classification Sherloc (09022015). Collection method: clinical testing. Allele origin: germline.
Comment: This variant, c.194_208dup, results in the insertion of 5 amino acid(s) of the NOD2 protein (p.Val65_Glu69dup), but otherwise preserves the integrity of the reading frame. This variant is not present in population databases (gnomAD no frequency). This variant has not been reported in the literature in individuals affected with NOD2-related conditions. Experimental studies and prediction algorithms are not available or were not evaluated, and the functional significance of this variant is currently unknown. In summary, the available evidence is currently insufficient to determine the role of this variant in disease. Therefore, it has been classified as a Variant of Uncertain Significance.